The following is an entry in ClinVar:

ClinVar aggregate classification (germline): Likely benign (1 of 4 stars; one submission).

Allele frequency attached by ClinVar (database versions not stated): 1000 Genomes Project 0.01018; 1000 Genomes Project 30x 0.01062.
gnomAD v4.1: 1,246 of 152,040 alleles (0.82%); highest among the groups gnomAD compares: African/African-American, 2.9%; 14 homozygotes.

Submission:

GeneDx
Classification: Likely benign. Last evaluated: 2021-03-05. Review status: criteria provided, single submitter. Criteria: GeneDx Variant Classification Process June 2021. Collection method: clinical testing. Allele origin: germline. Affected: yes.
Comment: See Variant Classification Assertion Criteria.

NM_001080512.3(BICC1):c.2182-182G>A

Gene: BICC1 (BicC family RNA binding protein 1; plus strand). Cytogenetic location: 10q21.1.
Variant type: single nucleotide variant.
Coding change: c.2182-182G>A on transcript NM_001080512.3 (MANE Select); 182 bases into the intron before coding-DNA position 2182, G replaced by A.
Molecular consequence: intron variant.
Genome position (GRCh38, 1-based): chr10:58,806,402, G>A. VCF-style: chr10-58806402-G-A. GRCh37 (hg19) VCF-style: chr10-60566162-G-A.
Identifiers: ClinVar variation 1707155 (VCV001707155.2), dbSNP rs116233035, ClinGen allele CA207286918.